The following is an entry in ClinVar:

ClinVar aggregate classification (germline): Uncertain significance. Review status: criteria provided, multiple submitters, no conflicts (2 of 4 stars). 2 submissions from 2 submitters: Uncertain significance (2). Last evaluated 2025-02-25.

Conditions:
CAPN15-related disorder. Also called: CAPN15-related condition.

gnomAD v4.1: 169 of 1,524,738 alleles (0.011%); highest among the groups gnomAD compares: African/African-American, 0.17%; 1 homozygote.

Submissions (2):

PreventionGenetics, part of Exact Sciences
Classification: Uncertain significance for CAPN15-related condition. Last evaluated: 2025-02-25. Review status: criteria provided, single submitter. Criteria: ACMG Guidelines, 2015. Collection method: clinical testing. Allele origin: germline.
Comment: The CAPN15 c.470C>T variant is predicted to result in the amino acid substitution p.Thr157Met. To our knowledge, this variant has not been reported in the literature. This variant is reported in 0.15% of alleles in individuals of African descent in gnomAD. At this time, the clinical significance of this variant is uncertain due to the absence of conclusive functional and genetic evidence.

GeneDx
Classification: Uncertain significance. Last evaluated: 2023-11-14. Review status: criteria provided, single submitter. Criteria: GeneDx Variant Classification Process June 2021. Collection method: clinical testing. Allele origin: germline. Affected: yes.
Comment: Has not been previously published as pathogenic or benign to our knowledge; In silico analysis supports that this missense variant has a deleterious effect on protein structure/function

NM_005632.3(CAPN15):c.470C>T (p.Thr157Met)

Gene: CAPN15 (calpain 15; plus strand). Cytogenetic location: 16p13.3.
Variant type: single nucleotide variant.
Coding change: c.470C>T on transcript NM_005632.3 (MANE Select); coding-DNA position 470, C replaced by T.
Protein change: p.Thr157Met; replaces threonine 157 with methionine.
Molecular consequence: missense variant.
Genome position (GRCh38, 1-based): chr16:547,308, C>T. VCF-style: chr16-547308-C-T. GRCh37 (hg19) VCF-style: chr16-597308-C-T.
Other names: short protein forms T157M.
Identifiers: ClinVar variation 3364116 (VCV003364116.2).